The following is an entry in ClinVar:

ClinVar aggregate classification (germline): Pathogenic. Review status: criteria provided, multiple submitters, no conflicts (2 of 4 stars). 2 submissions from 2 submitters: Pathogenic (2). Last evaluated 2024-04-30.

Conditions:
Familial hemophagocytic lymphohistiocytosis 4 (FHL4). Also called: STX11-Related Familial Hemophagocytic Lymphohistiocytosis (STX11-fHLH). Identifiers: Orphanet 540, MedGen C1863728, MONDO:0011336, OMIM 603552.

Submissions (2):

Labcorp Genetics (formerly Invitae), Labcorp
Classification: Pathogenic for Familial hemophagocytic lymphohistiocytosis 4. Last evaluated: 2024-04-30. Review status: criteria provided, single submitter. Criteria: Invitae Variant Classification Sherloc (09022015). Collection method: clinical testing. Allele origin: germline.
Comment: This sequence change results in a frameshift in the STX11 gene (p.Trp186Valfs*169). While this is not anticipated to result in nonsense mediated decay, it is expected to disrupt the last 102 amino acid(s) of the STX11 protein and extend the protein by 66 additional amino acid residues. This variant is present in population databases (no rsID available, gnomAD 0.02%). This variant has not been reported in the literature in individuals affected with STX11-related conditions. ClinVar contains an entry for this variant (Variation ID: 1686235). This variant disrupts a region of the STX11 protein in which other variant(s) (p.Q268*) have been determined to be pathogenic (PMID: 16582076, 17525286). This suggests that this is a clinically significant region of the protein, and that variants that disrupt it are likely to be disease-causing. For these reasons, this variant has been classified as Pathogenic.

Mendelics
Classification: Pathogenic for Familial hemophagocytic lymphohistiocytosis 4. Last evaluated: 2022-05-04. Review status: criteria provided, single submitter. Criteria: Mendelics Assertion Criteria 2019. Collection method: clinical testing. Allele origin: germline.

Literature cited by the submitters: PubMed 16582076 (cited by Labcorp Genetics (formerly Invitae), Labcorp); PubMed 17525286 (cited by Labcorp Genetics (formerly Invitae), Labcorp).

NM_003764.4(STX11):c.554dup (p.Trp186fs)

Gene: STX11 (syntaxin 11; plus strand). Cytogenetic location: 6q24.2.
Variant type: Duplication.
Coding change: c.554dup on transcript NM_003764.4 (MANE Select); coding-DNA position 554, one base duplicated (A; older notation c.554dupA).
Protein change: p.Trp186fs; shifts the reading frame from tryptophan 186.
Molecular consequence: frameshift variant.
Genome position (GRCh38, 1-based): chr6:144,187,181, A duplicated; the last of 2 consecutive A bases (chr6:144,187,180-144,187,181); duplicating either gives the same sequence. VCF-style (leftmost placement, unchanged base first): chr6-144187179-T-TA. GRCh37 (hg19) VCF-style: chr6-144508316-T-TA.
Other names: short protein forms W186fs.
Identifiers: ClinVar variation 1686235 (VCV001686235.7), dbSNP rs1317576992, ClinGen allele CA570979805.